The following is an entry in ClinVar:

ClinVar aggregate classification (germline): Uncertain significance (1 of 4 stars; one submission).

Conditions:
Arrhythmogenic right ventricular dysplasia 9 (ARVD9). Also called: Arrhythmogenic Right Ventricular Dysplasia/Cardiomyopathy 9; ARRHYTHMOGENIC RIGHT VENTRICULAR DYSPLASIA, FAMILIAL, 9. Identifiers: MedGen C1836906, MONDO:0012180, OMIM 609040.

Submission:

Labcorp Genetics (formerly Invitae), Labcorp
Classification: Uncertain significance for Arrhythmogenic right ventricular dysplasia 9. Last evaluated: 2020-09-29. Review status: criteria provided, single submitter. Criteria: Invitae Variant Classification Sherloc (09022015). Collection method: clinical testing. Allele origin: germline.
Comment: In summary, the available evidence is currently insufficient to determine the role of this variant in disease. Therefore, it has been classified as a Variant of Uncertain Significance. Algorithms developed to predict the effect of missense changes on protein structure and function (SIFT, PolyPhen-2, Align-GVGD) all suggest that this variant is likely to be tolerated, but these predictions have not been confirmed by published functional studies and their clinical significance is uncertain. This variant has not been reported in the literature in individuals with PKP2-related conditions. This variant is not present in population databases (ExAC no frequency). This sequence change replaces histidine with proline at codon 179 of the PKP2 protein (p.His179Pro). The histidine residue is weakly conserved and there is a moderate physicochemical difference between histidine and proline.

NM_001005242.3(PKP2):c.536A>C (p.His179Pro)

Gene: PKP2 (plakophilin 2; minus strand). Cytogenetic location: 12p11.21.
Variant type: single nucleotide variant.
Coding change: c.536A>C on transcript NM_001005242.3 (MANE Select); coding-DNA position 536, A replaced by C.
Protein change: p.His179Pro; replaces histidine 179 with proline.
Molecular consequence: missense variant.
Genome position (GRCh38, 1-based): chr12:32,878,344, T>G on the plus strand (A>C on the coding strand, the complement: PKP2 is on the minus strand). VCF-style: chr12-32878344-T-G. GRCh37 (hg19) VCF-style: chr12-33031278-T-G.
Other names: c.536A>C, p.His179Pro (NM_004572.4); short protein forms H179P.
Identifiers: ClinVar variation 999022 (VCV000999022.8), dbSNP rs1371222715, ClinGen allele CA384364651.